The following is an entry in ClinVar:

NM_001267550.2(TTN):c.7400dup (p.Val2468fs)

Genes: TTN (titin; minus strand), LOC126806433 (BRD4-independent group 4 enhancer GRCh37_chr2:179638309-179639508; plus strand). Cytogenetic location: 2q31.2.
Variant type: Duplication.
Coding change: c.7400dup on transcript NM_001267550.2 (MANE Select); coding-DNA position 7400, one base duplicated (A; older notation c.7400dupA).
Protein change: p.Val2468fs; shifts the reading frame from valine 2468.
Molecular consequence: frameshift variant.
Genome position (GRCh38, 1-based): chr2:178,773,656, T duplicated on the plus strand (A on the coding strand, the reverse complement: TTN is on the minus strand); the first of 2 consecutive T bases (chr2:178,773,656-178,773,657); duplicating either gives the same sequence. VCF-style (leftmost placement, unchanged base first): chr2-178773655-C-CT. GRCh37 (hg19) VCF-style: chr2-179638382-C-CT.
Other names: c.7400dup, p.Val2468fs (NM_001256850.1, NM_133378.4, NM_133379.5); c.7262dup, p.Val2422fs (NM_003319.4, NM_133432.3, NM_133437.4); c.7262dupA (NM_003319.4); short protein forms V2468fs, V2422fs.
Identifiers: ClinVar variation 5031474 (VCV005031474.1).

ClinVar aggregate classification (germline): Likely pathogenic (1 of 4 stars; one submission).

Conditions:
Cardiovascular phenotype. Identifiers: MedGen CN230736.

Submission:

Ambry Genetics
Classification: Likely pathogenic for Cardiovascular phenotype. Last evaluated: 2026-08-27. Review status: criteria provided, single submitter. Criteria: Ambry Variant Classification Scheme 2023. Collection method: clinical testing. Allele origin: germline.
Comment: The c.7262dupA variant, located in coding exon 30 of the TTN gene, results from a duplication of A at nucleotide position 7262, causing a translational frameshift with a predicted alternate stop codon (p.V2422Gfs*5). This exon is located in the I-band region of the N2-B isoform of the titin protein and is constitutively expressed in TTN transcripts (percent spliced in or PSI 100%). This variant is considered to be rare based on population cohorts in the Genome Aggregation Database (gnomAD). This variant is expected to result in loss of function by premature protein truncation or nonsense-mediated mRNA decay. While truncating variants in TTN are present in 1-3% of the general population, truncating variants in the A-band are the most common cause of dilated cardiomyopathy (Herman DS et al. N. Engl. J. Med., 2012 Feb;366:619-28; Roberts AM et al. Sci Transl Med, 2015 Jan;7:270ra6). TTN truncating variants encoded in constitutive exons (PSI >90%) have been found to be significantly associated with DCM regardless of their position in titin (Schafer S et al. Nat. Genet., 2017 01;49:46-53; Akhtar MM et al. Circ Heart Fail, 2020 Oct;13:e006832; Massier M et al. Clin Genet, 2025 Jan). Based on the majority of available evidence to date, this variant is likely to be pathogenic.